The following is an entry in ClinVar:

NM_005448.2(BMP15):c.162C>T (p.Gly54=)

Gene: BMP15 (bone morphogenetic protein 15; plus strand). Cytogenetic location: Xp11.22.
Variant type: single nucleotide variant.
Coding change: c.162C>T on transcript NM_005448.2 (MANE Select); coding-DNA position 162, C replaced by T.
Protein change: p.Gly54=; no amino-acid change (glycine 54 retained).
Molecular consequence: synonymous variant.
Genome position (GRCh38, 1-based): chrX:50,910,945, C>T. VCF-style: chrX-50910945-C-T. GRCh37 (hg19) VCF-style: chrX-50653945-C-T.
Identifiers: ClinVar variation 914978 (VCV000914978.28), dbSNP rs149633402, ClinGen allele CA10416496.

ClinVar aggregate classification (germline): Benign/Likely benign. Review status: criteria provided, multiple submitters, no conflicts (2 of 4 stars). 2 submissions from 2 submitters: Benign (1); Likely benign (1). Last evaluated 2022-07-01.

Conditions:
Ovarian dysgenesis 2 (ODG2). Also called: OVARIAN DYSGENESIS, HYPERGONADOTROPIC, X-LINKED; OVARIAN FAILURE, HYPERGONADOTROPIC, DUE TO OVARIAN DYSGENESIS. Identifiers: Orphanet 243, MedGen C1845294, MONDO:0010349, OMIM 300510.

Allele frequency attached by ClinVar (database versions not stated): gnomAD exomes 0.00007 and 0.00015; gnomAD 0.00010 and 0.00011; TOPMed 0.00013; ExAC 0.00025; 1000 Genomes Project 0.00026; ESP Exome Variant Server 0.00028; 1000 Genomes Project 30x 0.00042.
gnomAD v4.1: 98 of 1,192,935 alleles (0.0082%); highest among the groups gnomAD compares: Middle Eastern, 0.17%; no homozygotes.

Submissions (2):

CeGaT Center for Human Genetics Tuebingen
Classification: Likely benign. Last evaluated: 2022-07-01. Review status: criteria provided, single submitter. Criteria: CeGaT Center For Human Genetics Tuebingen Variant Classification Criteria Version 2. Collection method: clinical testing. Allele origin: germline. Affected: yes. Observed: 2 variant alleles.
Comment: BMP15: BP4, BP7

Illumina Laboratory Services, Illumina
Classification: Benign for Ovarian dysgenesis 2. Last evaluated: 2018-03-26. Review status: criteria provided, single submitter. Criteria: ICSL Variant Classification Criteria 13 December 2019. Collection method: clinical testing. Allele origin: germline.
Comment: This variant was observed in the ICSL laboratory as part of a predisposition screen in an ostensibly healthy population. It had not been previously curated by ICSL or reported in the Human Gene Mutation Database (HGMD: prior to June 1st, 2018), and was therefore a candidate for classification through an automated scoring system. Utilizing variant allele frequency, disease prevalence and penetrance estimates, and inheritance mode, an automated score was calculated to assess if this variant is too frequent to cause the disease. Based on the score and internal cut-off values, a variant classified as benign is not then subjected to further curation. The score for this variant resulted in a classification of benign for this disease.